The following is an entry in ClinVar:

NM_000329.3(RPE65):c.880A>G (p.Lys294Glu)

Gene: RPE65 (retinoid isomerohydrolase RPE65; minus strand). Cytogenetic location: 1p31.3.
Variant type: single nucleotide variant.
Coding change: c.880A>G on transcript NM_000329.3 (MANE Select); coding-DNA position 880, A replaced by G.
Protein change: p.Lys294Glu; replaces lysine 294 with glutamic acid.
Molecular consequence: missense variant.
Genome position (GRCh38, 1-based): chr1:68,439,060, T>C on the plus strand (A>G on the coding strand, the complement: RPE65 is on the minus strand). VCF-style: chr1-68439060-T-C. GRCh37 (hg19) VCF-style: chr1-68904743-T-C.
Other names: c.772A>G, p.Lys258Glu (NM_001406853.1); c.604A>G, p.Lys202Glu (NM_001406856.1, NM_001406857.1); c.880A>G, p.Lys294Glu (NM_001406859.1); short protein forms K202E, K258E, K294E.
Identifiers: ClinVar variation 2109684 (VCV002109684.4), dbSNP rs2523425652, ClinGen allele CA340745127.

ClinVar aggregate classification (germline): Uncertain significance (1 of 4 stars; one submission).

Conditions:
Leber congenital amaurosis 2 (LCA2). Also called: Autosomal Recessive RPE65-Related Retinal Degeneration; AMAUROSIS CONGENITA OF LEBER II. Identifiers: Orphanet 65, MedGen C1859844, MONDO:0008765, OMIM 204100. Disease mechanism: loss of function.
Retinitis pigmentosa 20 (RP20). Identifiers: Orphanet 791, MedGen C3151086, MONDO:0013425, OMIM 613794.

Submission:

Labcorp Genetics (formerly Invitae), Labcorp
Classification: Uncertain significance for Leber congenital amaurosis 2; Retinitis pigmentosa 20. Last evaluated: 2024-10-25. Review status: criteria provided, single submitter. Criteria: Invitae Variant Classification Sherloc (09022015). Collection method: clinical testing. Allele origin: germline.
Comment: This sequence change replaces lysine, which is basic and polar, with glutamic acid, which is acidic and polar, at codon 294 of the RPE65 protein (p.Lys294Glu). This variant is not present in population databases (gnomAD no frequency). This variant has not been reported in the literature in individuals affected with RPE65-related conditions. ClinVar contains an entry for this variant (Variation ID: 2109684). Invitae Evidence Modeling of protein sequence and biophysical properties (such as structural, functional, and spatial information, amino acid conservation, physicochemical variation, residue mobility, and thermodynamic stability) indicates that this missense variant is expected to disrupt RPE65 protein function with a positive predictive value of 80%. In summary, the available evidence is currently insufficient to determine the role of this variant in disease. Therefore, it has been classified as a Variant of Uncertain Significance.